The following is an entry in ClinVar:

NM_006231.4(POLE):c.2339C>A (p.Ser780Ter)

Gene: POLE (DNA polymerase epsilon, catalytic subunit; minus strand). Cytogenetic location: 12q24.33.
Variant type: single nucleotide variant.
Coding change: c.2339C>A on transcript NM_006231.4 (MANE Select); coding-DNA position 2339, C replaced by A.
Protein change: p.Ser780Ter; replaces serine 780 with a stop codon.
Molecular consequence: nonsense.
Genome position (GRCh38, 1-based): chr12:132,665,431, G>T on the plus strand (C>A on the coding strand, the complement: POLE is on the minus strand). VCF-style: chr12-132665431-G-T. GRCh37 (hg19) VCF-style: chr12-133242017-G-T.
Other names: short protein forms S780*.
Identifiers: ClinVar variation 4141107 (VCV004141107.1).

ClinVar aggregate classification (germline): Uncertain significance (1 of 4 stars; one submission).

Conditions:
Hereditary cancer-predisposing syndrome. Also called: Hereditary neoplastic syndrome; Neoplastic Syndromes, Hereditary; Tumor predisposition; Hereditary Cancer Syndrome. Identifiers: Orphanet 140162, MedGen C0027672, MeSH D009386, MONDO:0015356.

gnomAD v4.1: 1 of 1,611,352 alleles (0.000062%); highest among the groups gnomAD compares: African/African-American, 0.0013%; no homozygotes.

Submission:

Ambry Genetics
Classification: Uncertain significance for Hereditary cancer-predisposing syndrome. Last evaluated: 2025-07-01. Review status: criteria provided, single submitter. Criteria: Ambry Variant Classification Scheme 2023. Collection method: clinical testing. Allele origin: germline.
Comment: The p.S780* variant (also known as c.2339C>A), located in coding exon 21 of the POLE gene, results from a C to A substitution at nucleotide position 2339. This changes the amino acid from a serine to a stop codon within coding exon 21. This alteration is expected to result in loss of function by premature protein truncation or nonsense-mediated mRNA decay. Although biallelic loss of function of POLE has been associated with autosomal recessive POLE deficiency, haploinsufficiency of POLE has not been established as a mechanism of disease for POLE-related polymerase proofreading-associated polyposis (PPAP) and POLE-related CMMRD-like syndrome. Based on the supporting evidence, this variant is expected to be causative of POLE deficiency when present along with a second pathogenic variant on the other allele; however, its clinical significance for PPAP and POLE-related CMMRD-like syndrome is unclear/unlikely.